The following is an entry in ClinVar:

ClinVar aggregate classification (germline): Uncertain significance. Review status: criteria provided, multiple submitters, no conflicts (2 of 4 stars). 2 submissions from 2 submitters: Uncertain significance (2). Last evaluated 2024-03-07.

Conditions:
Familial thoracic aortic aneurysm and aortic dissection (TAAD). Also called: Thoracic aortic aneurysms and dissections. Identifiers: Orphanet 91387, MedGen C4707243, MONDO:0019625.

Submissions (2):

Color Diagnostics, LLC DBA Color Health
Classification: Uncertain significance for Familial thoracic aortic aneurysm and aortic dissection. Last evaluated: 2024-03-07. Review status: criteria provided, single submitter. Criteria: ACMG Guidelines, 2015. Collection method: clinical testing. Allele origin: germline.
Comment: This missense variant replaces methionine with leucine at codon 1762 of the MYH11 protein. Computational prediction suggests that this variant may not impact protein structure and function. To our knowledge, functional studies have not been reported for this variant. This variant has not been reported in individuals affected with MYH11-related disorders in the literature. This variant has not been identified in the general population by the Genome Aggregation Database (gnomAD). The available evidence is insufficient to determine the role of this variant in disease conclusively. Therefore, this variant is classified as a Variant of Uncertain Significance.

All of Us Research Program, National Institutes of Health
Classification: Uncertain significance for Familial thoracic aortic aneurysm and aortic dissection. Last evaluated: 2023-08-15. Review status: criteria provided, single submitter. Criteria: ACMG Guidelines, 2015. Collection method: clinical testing. Allele origin: germline. Inheritance: Autosomal dominant inheritance. Observed: 1 variant allele, 1 heterozygote.
Comment: This missense variant replaces methionine with leucine at codon 1762 of the MYH11 protein. Computational prediction suggests that this variant may not impact protein structure and function (internally defined REVEL score threshold <= 0.5, PMID: 27666373). To our knowledge, functional studies have not been reported for this variant. This variant has not been reported in individuals affected with MYH11-related disorders in the literature. This variant has not been identified in the general population by the Genome Aggregation Database (gnomAD). The available evidence is insufficient to determine the role of this variant in disease conclusively. Therefore, this variant is classified as a Variant of Uncertain Significance.

This study involves interpretation of variants in research participants for the purpose of population health screening. Participant phenotype was not available at the time of variant classification. Additional details can be found in publication PMID: 35346344, PMCID: PMC8962531

NM_002474.3(MYH11):c.5263A>C (p.Met1755Leu)

Genes: NDE1 (nudE neurodevelopment protein 1; plus strand), MYH11 (myosin heavy chain 11; minus strand). Cytogenetic location: 16p13.11.
Variant type: single nucleotide variant.
Coding change: c.5263A>C on transcript NM_002474.3 (MANE Select); coding-DNA position 5263, A replaced by C.
Protein change: p.Met1755Leu; replaces methionine 1755 with leucine.
Molecular consequence: missense variant. On other transcripts: intron variant (2).
Genome position (GRCh38, 1-based): chr16:15,718,347, T>G on the plus strand (A>C on the coding strand, the complement: MYH11 is on the minus strand). VCF-style: chr16-15718347-T-G. GRCh37 (hg19) VCF-style: chr16-15812204-T-G.
Other names: c.5284A>C, p.Met1762Leu (NM_001040113.2, NM_001040114.2); c.5263A>C, p.Met1755Leu (NM_022844.3); c.948-5844T>G (NM_001143979.2, NM_017668.3); short protein forms M1755L, M1762L.
Identifiers: ClinVar variation 3072722 (VCV003072722.2), dbSNP rs2506094538, ClinGen allele CA394849961.
Genomic context (GRCh38, chr16:15,718,347, plus strand): 5'-GTGACTGTGGTGTCCAGGCGGCCCTCACCTGCTGTGTGGCTTTGCGGACCCGGTCGCTCA[T>G]GGCCTCCATGTTGCCCTGCTCCTCCTCCAGCTCCTCCTCCAGCTGGGCGATCCGGGCCTC-3'
Protein context (NP_002465.1, residues 1745-1765): LEEEQGNMEA[Met1755Leu]SDRVRKATQQ